The following is an entry in ClinVar:

NM_001042492.3(NF1):c.983_984del (p.Leu327_Cys328insTer)

Gene: NF1 (neurofibromin 1; plus strand). Cytogenetic location: 17q11.2.
Variant type: Microsatellite.
Coding change: c.983_984del on transcript NM_001042492.3 (MANE Select); coding-DNA positions 983 to 984, 2 bases deleted (GT; older notation c.983_984delGT).
Protein change: p.Leu327_Cys328insTer.
Molecular consequence: nonsense. On other transcripts: frameshift variant (1).
Genome position (GRCh38, 1-based): chr17:31,200,516-31,200,517, GT deleted; deleting any 2 consecutive bases within chr17:31,200,513-31,200,517 gives the same sequence; the c. name uses the placement nearest the transcript's 3' end. VCF-style (leftmost placement, unchanged base first): chr17-31200512-CTG-C. GRCh37 (hg19) VCF-style: chr17-29527530-CTG-C.
Other names: c.983_984delGT (NM_000267.3); c.981_982GT[1], p.Cys328Terfs (NM_000267.4); c.983_984del, p.Leu327_Cys328insTer (NM_001128147.3).
Identifiers: ClinVar variation 457880 (VCV000457880.21), dbSNP rs1555610893, ClinGen allele CA658656567.

ClinVar aggregate classification (germline): Pathogenic. Review status: criteria provided, multiple submitters, no conflicts (2 of 4 stars). 8 submissions from 8 submitters: Pathogenic (8). Last evaluated 2025-08-26.

Conditions:
Cardiovascular phenotype. Identifiers: MedGen CN230736.
Hereditary cancer-predisposing syndrome. Also called: Hereditary Cancer Syndrome; Hereditary neoplastic syndrome; Tumor predisposition; Neoplastic Syndromes, Hereditary. Identifiers: Orphanet 140162, MedGen C0027672, MeSH D009386, MONDO:0015356.
Neurofibromatosis, type 1 (NF1). Also called: VON RECKLINGHAUSEN DISEASE; NEUROFIBROMATOSIS, TYPE I, SOMATIC; Peripheral type neurofibromatosis; Neurofibromatosis, type I. Identifiers: Orphanet 636, MedGen C0027831, MONDO:0018975, OMIM 162200. Disease mechanism: loss of function.
Juvenile myelomonocytic leukemia (JMML). Also called: LEUKEMIA, JUVENILE MYELOMONOCYTIC, SOMATIC. Identifiers: Orphanet 86834, MedGen C0349639, MONDO:0011908, OMIM 607785, HP:0012209.

Submissions (8):

Ambry Genetics
Classification: Pathogenic for Cardiovascular phenotype; Hereditary cancer-predisposing syndrome. Last evaluated: 2025-08-26. Review status: criteria provided, single submitter. Criteria: Ambry Variant Classification Scheme 2023. Collection method: clinical testing. Allele origin: germline.
Comment: The c.983_984delGT pathogenic mutation, located in coding exon 9 of the NF1 gene, results from a deletion of two nucleotides at nucleotide positions 983 to 984, causing a translational frameshift with a predicted alternate stop codon (p.C328*). This alteration has been seen in multiple individuals meeting clinical diagnosis criteria for Neurofibromatosis type 1 (Abernathy CR et al. Hum Mutat, 1997;9:548-54; Pros E et al. Hum Mutat, 2008 Sep;29:E173-93; Laycock-van Spyk S et al. Hum Genomics, 2011 Oct;5:623-90; Ambry Internal data). Of note, this alteration is also designated as 982delGT in published literature. This variant is considered to be rare based on population cohorts in the Genome Aggregation Database (gnomAD). In addition to the clinical data presented in the literature, this alteration is expected to result in loss of function by premature protein truncation or nonsense-mediated mRNA decay. As such, this alteration is interpreted as a disease-causing mutation.

GeneDx
Classification: Pathogenic. Last evaluated: 2024-12-19. Review status: criteria provided, single submitter. Criteria: GeneDx Variant Classification Process June 2021. Collection method: clinical testing. Allele origin: germline. Affected: yes.
Comment: Nonsense variant predicted to result in protein truncation or nonsense mediated decay in a gene for which loss of function is a known mechanism of disease; Not observed at significant frequency in large population cohorts (gnomAD); This variant is associated with the following publications: (PMID: Kwon2015[CaseReport], 22108604, 22155606, 10712197, 9195229, 23913538, 18546366)

Labcorp Genetics (formerly Invitae), Labcorp
Classification: Pathogenic for Neurofibromatosis, type 1. Last evaluated: 2024-11-03. Review status: criteria provided, single submitter. Criteria: Invitae Variant Classification Sherloc (09022015). Collection method: clinical testing. Allele origin: germline.
Comment: This sequence change creates a premature translational stop signal (p.Cys328*) in the NF1 gene. It is expected to result in an absent or disrupted protein product. Loss-of-function variants in NF1 are known to be pathogenic (PMID: 10712197, 23913538). This variant is not present in population databases (gnomAD no frequency). This premature translational stop signal has been observed in individual(s) with neurofibromatosis type 1 (PMID: 9195229, 18546366, 22155606). This variant is also known as 982delGT. ClinVar contains an entry for this variant (Variation ID: 457880). Algorithms developed to predict the effect of sequence changes on RNA splicing suggest that this variant may disrupt the consensus splice site. For these reasons, this variant has been classified as Pathogenic.

Baylor Genetics
Classification: Pathogenic for Juvenile myelomonocytic leukemia. Last evaluated: 2023-12-21. Review status: criteria provided, single submitter. Criteria: ACMG Guidelines, 2015. Collection method: clinical testing. Allele origin: unknown.

Women's Health and Genetics/Laboratory Corporation of America, LabCorp
Classification: Pathogenic for Neurofibromatosis, type 1. Last evaluated: 2022-11-15. Review status: criteria provided, single submitter. Criteria: LabCorp Variant Classification Summary - May 2015. Collection method: clinical testing. Allele origin: germline.
Comment: Variant summary: NF1 c.983_984delGT (p.Cys328X) results in a premature termination codon, predicted to cause a truncation of the encoded protein or absence of the protein due to nonsense mediated decay, which are commonly known mechanisms for disease. Truncations downstream of this position have been classified as pathogenic by our laboratory. The variant was absent in 251436 control chromosomes (gnomAD). c.983_984delGT has been reported in the literature in individuals affected with Neurofibromatosis Type 1 (example: Abernathy_1997, Pros_2008, Thomas_2012, and Sabbagh_2013). These data indicate that the variant is likely to be associated with disease. Four clinical diagnostic laboratories have submitted clinical-significance assessments for this variant to ClinVar after 2014 and all classified the variant as pathogenic. Based on the evidence outlined above, the variant was classified as pathogenic.

Genome-Nilou Lab
Classification: Pathogenic for Neurofibromatosis, type 1. Last evaluated: 2022-03-15. Review status: criteria provided, single submitter. Criteria: ACMG Guidelines, 2015. Collection method: clinical testing. Allele origin: germline. Affected: no.

ARUP Laboratories, Molecular Genetics and Genomics, ARUP Laboratories
Classification: Pathogenic. Last evaluated: 2020-11-17. Review status: criteria provided, single submitter. Criteria: ARUP Molecular Germline Variant Investigation Process 2021. Collection method: clinical testing. Allele origin: germline.
Comment: The NF1 c.983_984delGT; p.Cys328Ter variant (rs1555610893) is reported in the literature in several individuals affected with neurofibromatosis type 1 (Laycock-van Spyk 2011, Pros 2008). This variant is absent from general population databases (Exome Variant Server, Genome Aggregation Database), indicating it is not a common polymorphism. This variant deletes two nucleotides induces an early termination codon, so it is predicted to result in a truncated protein or mRNA subject to nonsense-mediated decay. Based on available information, this variant is considered to be pathogenic. References: Laycock-van Spyk S et al. Neurofibromatosis type 1-associated tumours: their somatic mutational spectrum and pathogenesis. Hum Genomics. 2011 Oct;5(6):623-90. Pros E et al. Nature and mRNA effect of 282 different NF1 point mutations: focus on splicing alterations. Hum Mutat. 2008 Sep;29(9):E173-93.

Center for Human Genetics, Inc
Classification: Pathogenic for Neurofibromatosis, type 1. Last evaluated: 2016-11-01. Review status: criteria provided, single submitter. Criteria: ACMG Guidelines, 2015. Collection method: clinical testing. Allele origin: germline. Affected: yes.

Literature cited by the submitters: PubMed 18546366 (cited by 3 submitters); PubMed 22155606 (cited by Ambry Genetics and Labcorp Genetics (formerly Invitae), Labcorp); PubMed 30287823 (cited by Ambry Genetics); PubMed 9195229 (cited by 3 submitters); PubMed 10712197 (cited by Labcorp Genetics (formerly Invitae), Labcorp); PubMed 23913538 (cited by Labcorp Genetics (formerly Invitae), Labcorp and Women's Health and Genetics/Laboratory Corporation of America, LabCorp); PubMed 22108604 (cited by Women's Health and Genetics/Laboratory Corporation of America, LabCorp).